The following is an entry in ClinVar:

ClinVar aggregate classification (germline): Uncertain significance. Review status: criteria provided, single submitter (1 of 4 stars). 2 submissions from 2 submitters: Uncertain significance (1). 1 of the submissions does not count toward it. Last evaluated 2024-03-12.

Conditions:
Fanconi anemia complementation group A (FANCA). Also called: Fanconi anemia, group A; FANCA-Related Fanconi Anemia. Identifiers: Orphanet 84, MedGen C3469521, MONDO:0009215, OMIM 227650.
Fanconi anemia (FA). Also called: Fanconi's anemia. Identifiers: Orphanet 84, MedGen C0015625, MeSH D005199, MONDO:0019391.

Submissions (2):

Labcorp Genetics (formerly Invitae), Labcorp
Classification: Uncertain significance for Fanconi anemia. Last evaluated: 2024-03-12. Review status: criteria provided, single submitter. Criteria: Invitae Variant Classification Sherloc (09022015). Collection method: clinical testing. Allele origin: germline.
Comment: This sequence change replaces glutamic acid, which is acidic and polar, with lysine, which is basic and polar, at codon 1015 of the FANCA protein (p.Glu1015Lys). This variant is not present in population databases (gnomAD no frequency). This variant has not been reported in the literature in individuals affected with FANCA-related conditions. ClinVar contains an entry for this variant (Variation ID: 974250). Advanced modeling of protein sequence and biophysical properties (such as structural, functional, and spatial information, amino acid conservation, physicochemical variation, residue mobility, and thermodynamic stability) performed at Invitae indicates that this missense variant is not expected to disrupt FANCA protein function with a negative predictive value of 80%. In summary, the available evidence is currently insufficient to determine the role of this variant in disease. Therefore, it has been classified as a Variant of Uncertain Significance.

Leiden Open Variation Database
Classification: Uncertain significance for Fanconi anemia complementation group A. Last evaluated: 2020-02-28. Review status: no assertion criteria provided. Collection method: curation. Allele origin: germline. Affected: yes. Not counted in ClinVar's aggregate classification.
Comment: Curator: Arleen D. Auerbach. Submitter to LOVD: Arleen D. Auerbach.

NM_000135.4(FANCA):c.3043G>A (p.Glu1015Lys)

Gene: FANCA (FA complementation group A; minus strand). Cytogenetic location: 16q24.3.
Variant type: single nucleotide variant.
Coding change: c.3043G>A on transcript NM_000135.4 (MANE Select); coding-DNA position 3043, G replaced by A.
Protein change: p.Glu1015Lys; replaces glutamic acid 1015 with lysine.
Molecular consequence: missense variant.
Genome position (GRCh38, 1-based): chr16:89,752,161, C>T on the plus strand (G>A on the coding strand, the complement: FANCA is on the minus strand). VCF-style: chr16-89752161-C-T. GRCh37 (hg19) VCF-style: chr16-89818569-C-T.
Other names: c.3043G>A, p.Glu1015Lys (NM_001286167.3); short protein forms E1015K.
Identifiers: ClinVar variation 974250 (VCV000974250.3), dbSNP rs1443921504, ClinGen allele CA397426043.